The following is an entry in ClinVar:

ClinVar aggregate classification (germline): Uncertain significance (1 of 4 stars; one submission).

Conditions:
Fanconi anemia complementation group J. Also called: BRIP1-Related Fanconi Anemia. Identifiers: Orphanet 84, MedGen C1836860, MONDO:0012187, OMIM 609054.
Familial cancer of breast. Also called: Hereditary breast cancer; hereditary breast carcinoma; BREAST CANCER, FAMILIAL. Identifiers: Orphanet 227535, MedGen C0346153, MONDO:0016419, OMIM 114480. Disease mechanism: loss of function.

Submission:

Labcorp Genetics (formerly Invitae), Labcorp
Classification: Uncertain significance for Familial cancer of breast; Fanconi anemia complementation group J. Last evaluated: 2026-01-19. Review status: criteria provided, single submitter. Criteria: Invitae Variant Classification Sherloc (09022015). Collection method: clinical testing. Allele origin: germline.
Comment: This sequence change replaces leucine, which is neutral and non-polar, with valine, which is neutral and non-polar, at codon 358 of the BRIP1 protein (p.Leu358Val). This variant is not present in population databases (gnomAD no frequency). This variant has not been reported in the literature in individuals affected with BRIP1-related conditions. Invitae Evidence Modeling of protein sequence and biophysical properties (such as structural, functional, and spatial information, amino acid conservation, physicochemical variation, residue mobility, and thermodynamic stability) has been performed for this missense variant. However, the output from this modeling did not meet the statistical confidence thresholds required to predict the impact of this variant on BRIP1 protein function. In summary, the available evidence is currently insufficient to determine the role of this variant in disease. Therefore, it has been classified as a Variant of Uncertain Significance.

NM_032043.3(BRIP1):c.1072C>G (p.Leu358Val)

Gene: BRIP1 (BRCA1 interacting DNA helicase 1; minus strand). Cytogenetic location: 17q23.2.
Variant type: single nucleotide variant.
Coding change: c.1072C>G on transcript NM_032043.3 (MANE Select); coding-DNA position 1072, C replaced by G.
Protein change: p.Leu358Val; replaces leucine 358 with valine.
Molecular consequence: missense variant.
Genome position (GRCh38, 1-based): chr17:61,801,321, G>C on the plus strand (C>G on the coding strand, the complement: BRIP1 is on the minus strand). VCF-style: chr17-61801321-G-C. GRCh37 (hg19) VCF-style: chr17-59878682-G-C.
Other names: short protein forms L358V.
Identifiers: ClinVar variation 4783570 (VCV004783570.1).
Genomic context (GRCh38, chr17:61,801,321, plus strand): 5'-TTATTTGTGCATCTAGAAGATAGTTGTAGGGACAAAATATGATGTCAGCATCTTGTATTA[G>C]TTCTCGGGCTGTGTAATATGGACAGGCCTTTAGTTTCTTCCCCAGGCTGACAAGTTCTTC-3'
Protein context (NP_114432.2, residues 348-368): KACPYYTARE[Leu358Val]IQDADIIFCP